The following is an entry in ClinVar:

ClinVar aggregate classification (germline): Likely benign. Review status: criteria provided, multiple submitters, no conflicts (2 of 4 stars). 2 submissions from 2 submitters: Likely benign (2). Last evaluated 2025-12-13.

Conditions:
Developmental and epileptic encephalopathy, 31A. Also called: Epileptic encephalopathy, early infantile, 31; Developmental and epileptic encephalopathy, 31. Identifiers: Orphanet 2382, MedGen C4225357, MONDO:0014598, OMIM 616346.

Allele frequency attached by ClinVar (database versions not stated): gnomAD 0.00001; gnomAD exomes 0.00001; TOPMed 0.00003; ESP Exome Variant Server 0.00015.
gnomAD v4.1: 17 of 1,613,914 alleles (0.0011%); highest among the groups gnomAD compares: African/African-American, 0.0027%; no homozygotes.

Submissions (2):

Labcorp Genetics (formerly Invitae), Labcorp
Classification: Likely benign for Developmental and epileptic encephalopathy, 31A. Last evaluated: 2025-12-13. Review status: criteria provided, single submitter. Criteria: Invitae Variant Classification Sherloc (09022015). Collection method: clinical testing. Allele origin: germline.

GeneDx
Classification: Likely benign. Last evaluated: 2018-04-05. Review status: criteria provided, single submitter. Criteria: GeneDx Variant Classification (06012015). Collection method: clinical testing. Allele origin: germline. Affected: yes.
Comment: This variant is considered likely benign or benign based on one or more of the following criteria: it is a conservative change, it occurs at a poorly conserved position in the protein, it is predicted to be benign by multiple in silico algorithms, and/or has population frequency not consistent with disease.

NM_004408.4(DNM1):c.235+10C>T

Genes: DNM1 (dynamin 1; plus strand), LOC113839516 (Sharpr-MPRA regulatory region 8497; plus strand). Cytogenetic location: 9q34.11.
Variant type: single nucleotide variant.
Coding change: c.235+10C>T on transcript NM_004408.4 (MANE Select); 10 bases into the intron after coding-DNA position 235, C replaced by T.
Molecular consequence: intron variant.
Genome position (GRCh38, 1-based): chr9:128,218,314, C>T. VCF-style: chr9-128218314-C-T. GRCh37 (hg19) VCF-style: chr9-130980593-C-T.
Other names: c.235+10C>T (NM_001005336.3, NM_001288738.2, NM_001288737.2 and 1 more transcripts).
Identifiers: ClinVar variation 681559 (VCV000681559.10), dbSNP rs372579464, ClinGen allele CA200346866.